The following is an entry in ClinVar:

ClinVar aggregate classification (germline): Uncertain significance (1 of 4 stars; one submission).

gnomAD v4.1: 2 of 1,612,246 alleles (0.00012%); highest among the groups gnomAD compares: South Asian, 0.0022%; no homozygotes.

Submission:

GeneDx
Classification: Uncertain significance. Last evaluated: 2025-02-24. Review status: criteria provided, single submitter. Criteria: GeneDx Variant Classification Process June 2021. Collection method: clinical testing. Allele origin: germline. Affected: yes.
Comment: Not observed at significant frequency in large population cohorts (gnomAD); Missense variant in a gene in which most reported pathogenic variants are truncating/loss of function; Has not been previously published as pathogenic or benign to our knowledge

NM_001267550.2(TTN):c.81350T>C (p.Ile27117Thr)

Genes: TTN (titin; minus strand), TTN-AS1 (TTN antisense RNA 1; plus strand). Cytogenetic location: 2q31.2.
Variant type: single nucleotide variant.
Coding change: c.81350T>C on transcript NM_001267550.2 (MANE Select); coding-DNA position 81350, T replaced by C.
Protein change: p.Ile27117Thr; replaces isoleucine 27117 with threonine.
Molecular consequence: missense variant.
Genome position (GRCh38, 1-based): chr2:178,564,782, A>G on the plus strand (T>C on the coding strand, the complement: TTN is on the minus strand). VCF-style: chr2-178564782-A-G. GRCh37 (hg19) VCF-style: chr2-179429509-A-G.
Other names: c.76427T>C, p.Ile25476Thr (NM_001256850.1); c.54155T>C, p.Ile18052Thr (NM_003319.4); c.73646T>C, p.Ile24549Thr (NM_133378.4); c.54530T>C, p.Ile18177Thr (NM_133432.3); c.54731T>C, p.Ile18244Thr (NM_133437.4); short protein forms I18052T, I18177T, I18244T, I24549T, I25476T, I27117T.
Identifiers: ClinVar variation 4076813 (VCV004076813.1).